The following is an entry in ClinVar:

NM_024027.5(COLEC11):c.291C>T (p.Ser97=)

Gene: COLEC11 (collectin subfamily member 11; plus strand). Cytogenetic location: 2p25.3.
Variant type: single nucleotide variant.
Coding change: c.291C>T on transcript NM_024027.5 (MANE Select); coding-DNA position 291, C replaced by T.
Protein change: p.Ser97=; no amino-acid change (serine 97 retained).
Molecular consequence: synonymous variant. On other transcripts: non-coding transcript variant (1).
Genome position (GRCh38, 1-based): chr2:3,640,294, C>T. VCF-style: chr2-3640294-C-T. GRCh37 (hg19) VCF-style: chr2-3687884-C-T.
Other names: c.219C>T, p.Ser73= (NM_001255982.2, NM_001255983.2); c.147C>T, p.Ser49= (NM_001255984.2); c.333C>T, p.Ser111= (NM_001255985.1); c.213C>T, p.Ser71= (NM_001255986.1); c.141C>T, p.Ser47= (NM_001255987.1, NM_001255988.1); c.69C>T, p.Ser23= (NM_001255989.1); c.282C>T, p.Ser94= (NM_199235.3).
Identifiers: ClinVar variation 758179 (VCV000758179.33), dbSNP rs374138625, ClinGen allele CA1516965.

ClinVar aggregate classification (germline): Benign/Likely benign. Review status: criteria provided, multiple submitters, no conflicts (2 of 4 stars). 3 submissions from 3 submitters: Benign (1); Likely benign (2). Last evaluated 2024-04-04.

Allele frequency attached by ClinVar (database versions not stated): TOPMed 0.00005; gnomAD 0.00007 and 0.00009; ESP Exome Variant Server 0.00008; gnomAD exomes 0.00014; ExAC 0.00018.
gnomAD v4.1: 233 of 1,601,994 alleles (0.015%); highest among the groups gnomAD compares: South Asian, 0.095%; 5 homozygotes.

Submissions (3):

Labcorp Genetics (formerly Invitae), Labcorp
Classification: Benign. Last evaluated: 2024-04-04. Review status: criteria provided, single submitter. Criteria: Invitae Variant Classification Sherloc (09022015). Collection method: clinical testing. Allele origin: germline.

Blueprint Genetics
Classification: Likely benign. Last evaluated: 2023-05-22. Review status: criteria provided, single submitter. Criteria: ACMG Guidelines, 2015. Collection method: clinical testing. Allele origin: germline.

CeGaT Center for Human Genetics Tuebingen
Classification: Likely benign. Last evaluated: 2023-02-01. Review status: criteria provided, single submitter. Criteria: CeGaT Center For Human Genetics Tuebingen Variant Classification Criteria Version 2. Collection method: clinical testing. Allele origin: germline. Affected: yes. Observed: 1 variant allele.
Comment: COLEC11: BP4, BP7